The following is an entry in ClinVar:

NM_017646.6(TRIT1):c.415-4A>G

Gene: TRIT1 (tRNA isopentenyltransferase 1; minus strand). Cytogenetic location: 1p34.2.
Variant type: single nucleotide variant.
Coding change: c.415-4A>G on transcript NM_017646.6 (MANE Select); 4 bases into the intron before coding-DNA position 415, A replaced by G.
Molecular consequence: intron variant.
Genome position (GRCh38, 1-based): chr1:39,852,880, T>C on the plus strand (A>G on the coding strand, the complement: TRIT1 is on the minus strand). VCF-style: chr1-39852880-T-C. GRCh37 (hg19) VCF-style: chr1-40318552-T-C.
Other names: c.175-4A>G (NM_001312692.1); c.415-4A>G (NM_001312691.1).
Identifiers: ClinVar variation 1687363 (VCV001687363.1), dbSNP rs1642667473, ClinGen allele CA1164148219.

ClinVar aggregate classification (germline): Uncertain significance (1 of 4 stars; one submission).

Conditions:
Combined oxidative phosphorylation deficiency 35 (COXPD35). Identifiers: MedGen C4693466, MONDO:0054742, OMIM 617873.

Submission:

3billion
Classification: Uncertain significance for Combined oxidative phosphorylation deficiency 35. Last evaluated: 2022-05-22. Review status: criteria provided, single submitter. Criteria: ACMG Guidelines, 2015. Collection method: clinical testing. Allele origin: germline. Affected: yes. Observed: 1 homozygote.
Comment: The variant is not observed in the gnomAD v2.1.1 dataset. In silico tools predict the variant to alter splicing and produce an abnormal transcript (SpliceAI: 0.95). Therefore, this variant is classified as uncertain significanceaccording to the recommendation of ACMG/AMP guideline.